The following is an entry in ClinVar:

NM_001199397.3(NEK1):c.975A>G (p.Gly325=)

Gene: NEK1 (NIMA related kinase 1; minus strand). Cytogenetic location: 4q33.
Variant type: single nucleotide variant.
Coding change: c.975A>G on transcript NM_001199397.3 (MANE Select); coding-DNA position 975, A replaced by G.
Protein change: p.Gly325=; no amino-acid change (glycine 325 retained).
Molecular consequence: synonymous variant. On other transcripts: non-coding transcript variant (2).
Genome position (GRCh38, 1-based): chr4:169,576,973, T>C on the plus strand (A>G on the coding strand, the complement: NEK1 is on the minus strand). VCF-style: chr4-169576973-T-C. GRCh37 (hg19) VCF-style: chr4-170498124-T-C.
Other names: c.975A>G, p.Gly325= (NM_001199398.3, NM_001199399.3, NM_001199400.3 and 7 more transcripts).
Identifiers: ClinVar variation 506657 (VCV000506657.15), dbSNP rs150904906, ClinGen allele CA3137895.

ClinVar aggregate classification (germline): Benign/Likely benign. Review status: criteria provided, multiple submitters, no conflicts (2 of 4 stars). 5 submissions from 5 submitters: Benign (2); Likely benign (3). Last evaluated 2025-12-10.

Conditions:
Short-rib thoracic dysplasia 6 with or without polydactyly (SRTD6). Also called: Majewski Syndrome; SHORT-RIB THORACIC DYSPLASIA 6 WITH POLYDACTYLY; SHORT-RIB THORACIC DYSPLASIA 6 WITHOUT POLYDACTYLY; SHORT RIB-POLYDACTYLY SYNDROME, TYPE IIA; POLYDACTYLY WITH NEONATAL CHONDRODYSTROPHY, TYPE II. Identifiers: MedGen C0024507, MONDO:0009894, OMIM 263520.

Allele frequency attached by ClinVar (database versions not stated): gnomAD exomes 0.00016 and 0.00051; ExAC 0.00068; 1000 Genomes Project 0.00200; TOPMed 0.00204; ESP Exome Variant Server 0.00205; gnomAD 0.00205 and 0.00218; 1000 Genomes Project 30x 0.00219.
gnomAD v4.1: 568 of 1,612,542 alleles (0.035%); highest among the groups gnomAD compares: African/African-American, 0.65%; 4 homozygotes.

Submissions (5):

Labcorp Genetics (formerly Invitae), Labcorp
Classification: Benign for Short-rib thoracic dysplasia 6 with or without polydactyly. Last evaluated: 2025-12-10. Review status: criteria provided, single submitter. Criteria: Invitae Variant Classification Sherloc (09022015). Collection method: clinical testing. Allele origin: germline.

Genetic Services Laboratory, University of Chicago
Classification: Likely benign. Last evaluated: 2018-03-28. Review status: criteria provided, single submitter. Criteria: ACMG Guidelines, 2015. Collection method: clinical testing. Allele origin: germline. Affected: no.

Illumina Laboratory Services, Illumina
Classification: Likely benign for Short-rib thoracic dysplasia 6 with or without polydactyly. Last evaluated: 2018-01-12. Review status: criteria provided, single submitter. Criteria: ICSL Variant Classification Criteria 13 December 2019. Collection method: clinical testing. Allele origin: germline.
Comment: This variant was observed in the ICSL laboratory as part of a predisposition screen in an ostensibly healthy population. It had not been previously curated by ICSL or reported in the Human Gene Mutation Database (HGMD: prior to June 1st, 2018), and was therefore a candidate for classification through an automated scoring system. Utilizing variant allele frequency, disease prevalence and penetrance estimates, and inheritance mode, an automated score was calculated to assess if this variant is too frequent to cause the disease. Based on the score and internal cut-off values, a variant classified as likely benign is not then subjected to further curation. The score for this variant resulted in a classification of likely benign for this disease.

GeneDx
Classification: Benign. Last evaluated: 2017-04-11. Review status: criteria provided, single submitter. Criteria: GeneDx Variant Classification (06012015). Collection method: clinical testing. Allele origin: germline. Affected: yes.
Comment: This variant is considered likely benign or benign based on one or more of the following criteria: it is a conservative change, it occurs at a poorly conserved position in the protein, it is predicted to be benign by multiple in silico algorithms, and/or has population frequency not consistent with disease.

Breakthrough Genomics
Classification: Likely benign. Review status: criteria provided, single submitter. Criteria: ACMG Guidelines, 2015. Collection method: not provided. Allele origin: germline. Inheritance: Autosomal recessive inheritance. Affected: yes.